The following is an entry in ClinVar:

NM_172107.4(KCNQ2):c.227dup (p.Leu77fs)

Gene: KCNQ2 (potassium voltage-gated channel subfamily Q member 2; minus strand). Cytogenetic location: 20q13.33.
Variant type: Duplication.
Coding change: c.227dup on transcript NM_172107.4 (MANE Select); coding-DNA position 227, one base duplicated (A; older notation c.227dupA).
Protein change: p.Leu77fs; shifts the reading frame from leucine 77.
Molecular consequence: frameshift variant.
Genome position (GRCh38, 1-based): chr20:63,472,237, T duplicated on the plus strand (A on the coding strand, the reverse complement: KCNQ2 is on the minus strand); the first of 2 consecutive T bases (chr20:63,472,237-63,472,238); duplicating either gives the same sequence. VCF-style (leftmost placement, unchanged base first): chr20-63472236-C-CT. GRCh37 (hg19) VCF-style: chr20-62103589-C-CT.
Other names: c.227dup, p.Leu77fs (NM_172106.3, NM_172108.5, NM_172109.3 and 2 more transcripts); short protein forms L77fs.
Identifiers: ClinVar variation 2695154 (VCV002695154.3), dbSNP rs2516743879, ClinGen allele CA2697547466.
Genomic context (GRCh38, chr20:63,472,236, plus strand): 5'-GTGGTAGATGAACGCCCAGCCGCGCGGCCGCTCCAGCACGTTGTAGAGGAAATTCTGCAG[C>CT]TTGCGGTAGAAGGCGTTGCGCTTGGGGGGCTTCCCGGCGCCCGCGCCGCCCGCGCGAGGT-3'

ClinVar aggregate classification (germline): Pathogenic (1 of 4 stars; one submission).

Conditions:
Early-infantile DEE. Also called: Ohtahara syndrome; Early infantile epileptic encephalopathy with suppression bursts; Early infantile epileptic encephalopathy. Identifiers: Orphanet 1934, MedGen C0393706, MONDO:0800491.

Submission:

Labcorp Genetics (formerly Invitae), Labcorp
Classification: Pathogenic for Early-infantile DEE. Last evaluated: 2026-02-03. Review status: criteria provided, single submitter. Criteria: Invitae Variant Classification Sherloc (09022015). Collection method: clinical testing. Allele origin: germline.
Comment: This sequence change creates a premature translational stop signal (p.Leu77Alafs*43) in the KCNQ2 gene. It is expected to result in an absent or disrupted protein product. Loss-of-function variants in KCNQ2 are known to be pathogenic (PMID: 14534157, 23692823, 27779742). This variant is not present in population databases (gnomAD no frequency). This variant has not been reported in the literature in individuals affected with KCNQ2-related conditions. ClinVar contains an entry for this variant (Variation ID: 2695154). For these reasons, this variant has been classified as Pathogenic.

Literature cited by the submitters: PubMed 14534157; PubMed 23692823; PubMed 27779742.